The following is an entry in ClinVar:

ClinVar aggregate classification (germline): Uncertain significance. Review status: criteria provided, multiple submitters, no conflicts (2 of 4 stars). 2 submissions from 2 submitters: Uncertain significance (2). Last evaluated 2024-12-20.

Conditions:
Familial thoracic aortic aneurysm and aortic dissection (TAAD). Also called: Thoracic aortic aneurysms and dissections. Identifiers: Orphanet 91387, MedGen C4707243, MONDO:0019625.

Submissions (2):

GeneDx
Classification: Uncertain significance. Last evaluated: 2024-12-20. Review status: criteria provided, single submitter. Criteria: GeneDx Variant Classification Process June 2021. Collection method: clinical testing. Allele origin: germline. Affected: yes.
Comment: Not observed at significant frequency in large population cohorts (gnomAD); In silico analysis supports that this missense variant has a deleterious effect on protein structure/function; Has not been previously published as pathogenic or benign to our knowledge

Ambry Genetics
Classification: Uncertain significance for Familial thoracic aortic aneurysm and aortic dissection. Last evaluated: 2024-10-29. Review status: criteria provided, single submitter. Criteria: Ambry Variant Classification Scheme 2023. Collection method: clinical testing. Allele origin: germline.
Comment: The p.V410G variant (also known as c.1229T>G), located in coding exon 9 of the SMAD3 gene, results from a T to G substitution at nucleotide position 1229. The valine at codon 410 is replaced by glycine, an amino acid with dissimilar properties. This variant has been observed in at least one individual with a personal and/or family history that is consistent with vascular dilations and dissections (Ambry internal data). This amino acid position is highly conserved in available vertebrate species. In addition, this alteration is predicted to be deleterious by in silico analysis. Based on the available evidence, the clinical significance of this variant remains unclear.

NM_005902.4(SMAD3):c.1229T>G (p.Val410Gly)

Gene: SMAD3 (SMAD family member 3; plus strand). Cytogenetic location: 15q22.33.
Variant type: single nucleotide variant.
Coding change: c.1229T>G on transcript NM_005902.4 (MANE Select); coding-DNA position 1229, T replaced by G.
Protein change: p.Val410Gly; replaces valine 410 with glycine.
Molecular consequence: missense variant.
Genome position (GRCh38, 1-based): chr15:67,190,487, T>G. VCF-style: chr15-67190487-T-G. GRCh37 (hg19) VCF-style: chr15-67482825-T-G.
Other names: c.914T>G, p.Val305Gly (NM_001145102.2, NM_001407016.1); c.1097T>G, p.Val366Gly (NM_001145103.2, NM_001407012.1); c.644T>G, p.Val215Gly (NM_001145104.2, NM_001407017.1); c.1340T>G, p.Val447Gly (NM_001407011.1); c.1091T>G, p.Val364Gly (NM_001407013.1); c.1082T>G, p.Val361Gly (NM_001407014.1); c.782T>G, p.Val261Gly (NM_001407015.1); short protein forms V305G, V410G, V261G, V366G, V447G, V215G, V361G, V364G.
Identifiers: ClinVar variation 3445815 (VCV003445815.2).
Genomic context (GRCh38, chr15:67,190,487, plus strand): 5'-CCAGTACCCCCTGCTGGATTGAGCTGCACCTGAATGGGCCTTTGCAGTGGCTTGACAAGG[T>G]CCTCACCCAGATGGGCTCCCCAAGCATCCGCTGTTCCAGTGTGTCTTAGAGACATCAAGT-3'
Protein context (NP_005893.1, residues 400-420): LNGPLQWLDK[Val410Gly]LTQMGSPSIR